The following is an entry in ClinVar:

ClinVar aggregate classification (germline): Uncertain significance (1 of 4 stars; one submission).

Allele frequency attached by ClinVar (database versions not stated): gnomAD 0.00001; gnomAD exomes 0.00001 and 0.00004; TOPMed 0.00002; ExAC 0.00005; 1000 Genomes Project 30x 0.00016; 1000 Genomes Project 0.00020.
gnomAD v4.1: 15 of 1,614,130 alleles (0.00093%); highest among the groups gnomAD compares: East Asian, 0.033%; no homozygotes.

Submission:

Labcorp Genetics (formerly Invitae), Labcorp
Classification: Uncertain significance. Last evaluated: 2024-10-31. Review status: criteria provided, single submitter. Criteria: Invitae Variant Classification Sherloc (09022015). Collection method: clinical testing. Allele origin: germline.
Comment: This sequence change falls in intron 5 of the SPARC gene. It does not directly change the encoded amino acid sequence of the SPARC protein. It affects a nucleotide within the consensus splice site. This variant is present in population databases (rs112369637, gnomAD 0.06%). This variant has not been reported in the literature in individuals affected with SPARC-related conditions. ClinVar contains an entry for this variant (Variation ID: 1392497). Variants that disrupt the consensus splice site are a relatively common cause of aberrant splicing (PMID: 17576681, 9536098). Algorithms developed to predict the effect of sequence changes on RNA splicing suggest that this variant is not likely to affect RNA splicing. In summary, the available evidence is currently insufficient to determine the role of this variant in disease. Therefore, it has been classified as a Variant of Uncertain Significance.

Literature cited by the submitters: PubMed 17576681; PubMed 9536098.

NM_003118.4(SPARC):c.331-3C>T

Gene: SPARC (secreted protein acidic and cysteine rich; minus strand). Cytogenetic location: 5q33.1.
Variant type: single nucleotide variant.
Coding change: c.331-3C>T on transcript NM_003118.4 (MANE Select); 3 bases into the intron before coding-DNA position 331, C replaced by T.
Molecular consequence: intron variant.
Genome position (GRCh38, 1-based): chr5:151,669,787, G>A on the plus strand (C>T on the coding strand, the complement: SPARC is on the minus strand). VCF-style: chr5-151669787-G-A. GRCh37 (hg19) VCF-style: chr5-151049348-G-A.
Other names: c.328-3C>T (NM_001309443.2); c.331-3C>T (NM_001309444.2).
Identifiers: ClinVar variation 1392497 (VCV001392497.4), dbSNP rs112369637, ClinGen allele CA3522726.